The following is an entry in ClinVar:

NM_002948.5(RPL15):c.18C>T (p.Tyr6=)

Genes: NKIRAS1 (NFKB inhibitor interacting Ras like 1; minus strand), RPL15 (ribosomal protein L15; plus strand). Cytogenetic location: 3p24.2.
Variant type: single nucleotide variant.
Coding change: c.18C>T on transcript NM_002948.5 (MANE Select); coding-DNA position 18, C replaced by T.
Protein change: p.Tyr6=; no amino-acid change (tyrosine 6 retained).
Molecular consequence: synonymous variant. On other transcripts: intron variant (1).
Genome position (GRCh38, 1-based): chr3:23,917,877, C>T. VCF-style: chr3-23917877-C-T. GRCh37 (hg19) VCF-style: chr3-23959368-C-T.
Other names: c.18C>T, p.Tyr6= (NM_001253382.2, NM_001253383.3, NM_001253384.2 and 2 more transcripts); c.-139-6427G>A (NM_001377380.1).
Identifiers: ClinVar variation 1107700 (VCV001107700.9), dbSNP rs774562896, ClinGen allele CA2286422.

ClinVar aggregate classification (germline): Likely benign. Review status: criteria provided, single submitter (1 of 4 stars). 2 submissions from 2 submitters: Likely benign (1). 1 of the submissions does not count toward it. Last evaluated 2025-10-29.

Conditions:
RPL15-related disorder. Also called: RPL15-related condition.

Allele frequency attached by ClinVar (database versions not stated): gnomAD 0.00001; gnomAD exomes 0.00001 and 0.00002; ExAC 0.00003; TOPMed 0.00001.
gnomAD v4.1: 8 of 1,608,946 alleles (0.0005%); highest among the groups gnomAD compares: East Asian, 0.016%; no homozygotes.

Submissions (2):

Labcorp Genetics (formerly Invitae), Labcorp
Classification: Likely benign. Last evaluated: 2025-10-29. Review status: criteria provided, single submitter. Criteria: Invitae Variant Classification Sherloc (09022015). Collection method: clinical testing. Allele origin: germline.

PreventionGenetics, part of Exact Sciences
Classification: Likely benign for RPL15-related condition. Last evaluated: 2023-07-14. Review status: no assertion criteria provided. Collection method: clinical testing. Allele origin: germline. Not counted in ClinVar's aggregate classification.
Comment: This variant is classified as likely benign based on ACMG/AMP sequence variant interpretation guidelines (Richards et al. 2015 PMID: 25741868, with internal and published modifications).